The following is an entry in ClinVar:

ClinVar aggregate classification (germline): Uncertain significance (1 of 4 stars; one submission).

Allele frequency attached by ClinVar (database versions not stated): gnomAD exomes 0.00001.
gnomAD v4.1: 8 of 1,611,006 alleles (0.0005%); highest among the groups gnomAD compares: South Asian, 0.0011%; no homozygotes.

Submission:

Labcorp Genetics (formerly Invitae), Labcorp
Classification: Uncertain significance. Last evaluated: 2022-06-18. Review status: criteria provided, single submitter. Criteria: Invitae Variant Classification Sherloc (09022015). Collection method: clinical testing. Allele origin: germline.
Comment: In summary, the available evidence is currently insufficient to determine the role of this variant in disease. Therefore, it has been classified as a Variant of Uncertain Significance. Variants that disrupt the consensus splice site are a relatively common cause of aberrant splicing (PMID: 17576681, 9536098). Algorithms developed to predict the effect of sequence changes on RNA splicing suggest that this variant may disrupt the consensus splice site. This variant has not been reported in the literature in individuals affected with EFL1-related conditions. This variant is not present in population databases (gnomAD no frequency). This sequence change falls in intron 17 of the EFL1 gene. It does not directly change the encoded amino acid sequence of the EFL1 protein. It affects a nucleotide within the consensus splice site.

Literature cited by the submitters: PubMed 17576681; PubMed 9536098.

NM_024580.6(EFL1):c.2030+4A>G

Gene: EFL1 (elongation factor like GTPase 1; minus strand). Cytogenetic location: 15q25.2.
Variant type: single nucleotide variant.
Coding change: c.2030+4A>G on transcript NM_024580.6 (MANE Select); 4 bases into the intron after coding-DNA position 2030, A replaced by G.
Molecular consequence: intron variant.
Genome position (GRCh38, 1-based): chr15:82,157,709, T>C on the plus strand (A>G on the coding strand, the complement: EFL1 is on the minus strand). VCF-style: chr15-82157709-T-C. GRCh37 (hg19) VCF-style: chr15-82450050-T-C.
Other names: c.1877+4A>G (NM_001040610.3); c.1241+4A>G (NM_001322844.2); c.2030+4A>G (NM_001322845.2).
Identifiers: ClinVar variation 1929730 (VCV001929730.5), dbSNP rs1174137058, ClinGen allele CA2499703240.